The following is an entry in ClinVar:

NM_000531.6(OTC):c.245T>G (p.Leu82Ter)

Gene: OTC (ornithine transcarbamylase; plus strand). Cytogenetic location: Xp11.4.
Variant type: single nucleotide variant.
Coding change: c.245T>G on transcript NM_000531.6 (MANE Select); coding-DNA position 245, T replaced by G.
Protein change: p.Leu82Ter; replaces leucine 82 with a stop codon.
Molecular consequence: nonsense.
Genome position (GRCh38, 1-based): chrX:38,369,824, T>G. VCF-style: chrX-38369824-T-G. GRCh37 (hg19) VCF-style: chrX-38229077-T-G.
Other names: short protein forms L82*.
Identifiers: ClinVar variation 97142 (VCV000097142.2), dbSNP rs72554335, ClinGen allele CA224516.

ClinVar aggregate classification (germline): Pathogenic (0 of 4 stars; one submission).

Submission:

GenMed Metabolism Lab
Classification: Pathogenic. Review status: no assertion criteria provided. Collection method: not provided. Allele origin: unknown.
ClinVar note: Converted during submission from pathogenic to Pathogenic.